The following is an entry in ClinVar:

ClinVar aggregate classification (germline): Conflicting classifications of pathogenicity. Review status: criteria provided, conflicting classifications (1 of 4 stars). 4 submissions from 4 submitters: Pathogenic (1); Likely pathogenic (1); Uncertain significance (2). Last evaluated 2025-08-15.

Conditions:
Retinitis pigmentosa (RP). Identifiers: Orphanet 791, MedGen C0035334, MeSH D012174, MONDO:0019200, OMIM 268000. Inheritance: Autosomal dominant, autosomal recessive and X linked inheritance.

Allele frequency attached by ClinVar (database versions not stated): gnomAD exomes 0.00001 and below 0.00001; TOPMed 0.00005; gnomAD 0.00006.
gnomAD v4.1: 14 of 1,613,934 alleles (0.00087%); highest among the groups gnomAD compares: African/African-American, 0.017%; no homozygotes.

Submissions (4):

Women's Health and Genetics/Laboratory Corporation of America, LabCorp
Classification: Likely pathogenic for Retinitis pigmentosa. Last evaluated: 2025-08-15. Review status: criteria provided, single submitter. Criteria: LabCorp Variant Classification Summary - May 2015. Collection method: clinical testing. Allele origin: germline.
Comment: Variant summary: ABCA4 c.3184C>A (p.Leu1062Ile) results in a conservative amino acid change located in the ABC transporter-like, ATP-binding domain (IPR003439) of the encoded protein sequence. Algorithms developed to predict the effect of missense changes on protein structure and function are either unavailable or do not agree on the potential impact of this missense change. The variant allele was found at a frequency of 8e-06 in 251178 control chromosomes. c.3184C>A has been observed in individual(s) affected with Stargardt disease (Internal data). These data indicate that the variant may be associated with disease. To our knowledge, no experimental evidence demonstrating an impact on protein function has been reported. ClinVar contains an entry for this variant (Variation ID: 960635). Based on the evidence outlined above, the variant was classified as likely pathogenic.

Labcorp Genetics (formerly Invitae), Labcorp
Classification: Pathogenic. Last evaluated: 2024-10-14. Review status: criteria provided, single submitter. Criteria: Invitae Variant Classification Sherloc (09022015). Collection method: clinical testing. Allele origin: germline.
Comment: This sequence change replaces leucine, which is neutral and non-polar, with isoleucine, which is neutral and non-polar, at codon 1062 of the ABCA4 protein (p.Leu1062Ile). This variant is present in population databases (no rsID available, gnomAD 0.02%). This missense change has been observed in individual(s) with Stargardt disease (internal data). ClinVar contains an entry for this variant (Variation ID: 960635). Invitae Evidence Modeling of protein sequence and biophysical properties (such as structural, functional, and spatial information, amino acid conservation, physicochemical variation, residue mobility, and thermodynamic stability) indicates that this missense variant is expected to disrupt ABCA4 protein function with a positive predictive value of 95%. For these reasons, this variant has been classified as Pathogenic.

GeneDx
Classification: Uncertain significance. Last evaluated: 2020-10-12. Review status: criteria provided, single submitter. Criteria: GeneDx Variant Classification Process June 2021. Collection method: clinical testing. Allele origin: germline. Affected: yes.
Comment: In silico analysis supports that this missense variant does not alter protein structure/function; Has not been previously published as pathogenic or benign to our knowledge

Blueprint Genetics
Classification: Uncertain significance. Last evaluated: 2018-06-06. Review status: criteria provided, single submitter. Criteria: ACMG Guidelines, 2015. Collection method: clinical testing. Allele origin: germline.

NM_000350.3(ABCA4):c.3184C>A (p.Leu1062Ile)

Gene: ABCA4 (ATP binding cassette subfamily A member 4; minus strand). Cytogenetic location: 1p22.1.
Variant type: single nucleotide variant.
Coding change: c.3184C>A on transcript NM_000350.3 (MANE Select); coding-DNA position 3184, C replaced by A.
Protein change: p.Leu1062Ile; replaces leucine 1062 with isoleucine.
Molecular consequence: missense variant.
Genome position (GRCh38, 1-based): chr1:94,043,342, G>T on the plus strand (C>A on the coding strand, the complement: ABCA4 is on the minus strand). VCF-style: chr1-94043342-G-T. GRCh37 (hg19) VCF-style: chr1-94508898-G-T.
Other names: c.2962C>A, p.Leu988Ile (NM_001425324.1); short protein forms L1062I, L988I.
Identifiers: ClinVar variation 960635 (VCV000960635.12), dbSNP rs966434923, ClinGen allele CA26866252.